The following is an entry in ClinVar:

NM_015046.7(SETX):c.7915A>T (p.Ser2639Cys)

Gene: SETX (senataxin; minus strand). Cytogenetic location: 9q34.13.
Variant type: single nucleotide variant.
Coding change: c.7915A>T on transcript NM_015046.7 (MANE Select); coding-DNA position 7915, A replaced by T.
Protein change: p.Ser2639Cys; replaces serine 2639 with cysteine.
Molecular consequence: missense variant.
Genome position (GRCh38, 1-based): chr9:132,264,358, T>A on the plus strand (A>T on the coding strand, the complement: SETX is on the minus strand). VCF-style: chr9-132264358-T-A. GRCh37 (hg19) VCF-style: chr9-135139745-T-A.
Other names: c.7915A>T, p.Ser2639Cys (NM_001351527.2); c.8002A>T, p.Ser2668Cys (NM_001351528.2); short protein forms S2639C, S2668C.
Identifiers: ClinVar variation 4881492 (VCV004881492.2).
Genomic context (GRCh38, chr9:132,264,358, plus strand): 5'-ACCTAGAGTTCCTCCTGGTGTGATGGGTCTCGGAACCACACTTCTCCTGCTCCCCTTCAC[T>A]GAAAGCCCTGGCCTCTCTCCTGTGACAGAGCTCCTCTTCCGGGTCATCACATTTGCTCTG-3'
Protein context (NP_055861.3, residues 2629-2649): LCHRREARAF[Ser2639Cys]EGEQEKCGSE

ClinVar aggregate classification (germline): Uncertain significance (1 of 4 stars; one submission).

Submission:

Dasa
Classification: Uncertain significance. Last evaluated: 2025-01-18. Review status: criteria provided, single submitter. Criteria: DASA Assertion Criteria. Collection method: clinical testing. Allele origin: germline.
Comment: NM_015046.7(SETX):c.7915A>T (p.Ser2639Cys) is a missense variant that results in the substitution of serine with cysteine. This variant is absent from population databases. Computational prediction algorithms are consistent with a benign effect. The currently available literature and clinical evidence are not sufficient to establish a definitive association between this variant and the reported condition. Therefore, this variant is classified as a variant of uncertain significance.